The following is an entry in ClinVar:

ClinVar aggregate classification (germline): Likely benign. Review status: criteria provided, multiple submitters, no conflicts (2 of 4 stars). 4 submissions from 4 submitters: Likely benign (4). Last evaluated 2025-12-20.

Conditions:
Arrhythmogenic right ventricular dysplasia 12. Also called: ARRHYTHMOGENIC RIGHT VENTRICULAR DYSPLASIA, FAMILIAL, 12. Identifiers: MedGen C1969081, MONDO:0012684, OMIM 611528.
Naxos disease (NXD). Also called: KERATOSIS PALMOPLANTARIS WITH ARRHYTHMOGENIC CARDIOMYOPATHY; MAL DE NAXOS; PALMOPLANTAR KERATODERMA WITH ARRHYTHMOGENIC RIGHT VENTRICULAR CARDIOMYOPATHY AND WOOLLY HAIR; WOOLLY HAIR, PALMOPLANTAR KERATODERMA, AND CARDIAC ABNORMALITIES; CARDIOMYOPATHY, ARRHYTHMOGENIC RIGHT VENTRICULAR, WITH SKIN, HAIR, AND NAIL ABNORMALITIES. Identifiers: Orphanet 34217, MedGen C1832600, MONDO:0011017, OMIM 601214.
Cardiovascular phenotype. Identifiers: MedGen CN230736.

Allele frequency attached by ClinVar (database versions not stated): gnomAD 0.00002 and 0.00003; TOPMed 0.00002; gnomAD exomes 0.00004 and 0.00005; ExAC 0.00007; ESP Exome Variant Server 0.00008.
gnomAD v4.1: 58 of 1,613,978 alleles (0.0036%); highest among the groups gnomAD compares: Non-Finnish European, 0.0049%; no homozygotes.

Submissions (4):

Labcorp Genetics (formerly Invitae), Labcorp
Classification: Likely benign for Arrhythmogenic right ventricular dysplasia 12; Naxos disease. Last evaluated: 2025-12-20. Review status: criteria provided, single submitter. Criteria: Invitae Variant Classification Sherloc (09022015). Collection method: clinical testing. Allele origin: germline.

Blueprint Genetics
Classification: Likely benign. Last evaluated: 2024-10-04. Review status: criteria provided, single submitter. Criteria: ACMG Guidelines, 2015. Collection method: clinical testing. Allele origin: germline.

Ambry Genetics
Classification: Likely benign for Cardiovascular phenotype. Last evaluated: 2020-11-16. Review status: criteria provided, single submitter. Criteria: Ambry Variant Classification Scheme 2023. Collection method: clinical testing. Allele origin: germline.

GeneDx
Classification: Likely benign. Last evaluated: 2019-04-22. Review status: criteria provided, single submitter. Criteria: GeneDx Variant Classification Process June 2021. Collection method: clinical testing. Allele origin: germline. Affected: yes.
Comment: Has not been previously published as pathogenic or benign to our knowledge

NM_002230.4(JUP):c.159C>T (p.Tyr53=)

Gene: JUP (junction plakoglobin; minus strand). Cytogenetic location: 17q21.2.
Variant type: single nucleotide variant.
Coding change: c.159C>T on transcript NM_002230.4 (MANE Select); coding-DNA position 159, C replaced by T.
Protein change: p.Tyr53=; no amino-acid change (tyrosine 53 retained).
Molecular consequence: synonymous variant.
Genome position (GRCh38, 1-based): chr17:41,771,696, G>A on the plus strand (C>T on the coding strand, the complement: JUP is on the minus strand). VCF-style: chr17-41771696-G-A. GRCh37 (hg19) VCF-style: chr17-39927948-G-A.
Other names: c.159C>T, p.Tyr53= (NM_001352773.2, NM_001352774.2, NM_001352775.2 and 3 more transcripts).
Identifiers: ClinVar variation 382502 (VCV000382502.17), dbSNP rs370760069, ClinGen allele CA8565571.